The following is an entry in ClinVar:

NM_032638.5(GATA2):c.1085_1092dup (p.Asn365fs)

Gene: GATA2 (GATA binding protein 2; minus strand). Cytogenetic location: 3q21.3.
Variant type: Duplication.
Coding change: c.1085_1092dup on transcript NM_032638.5 (MANE Select); coding-DNA positions 1085 to 1092, 8 bases duplicated (GAAACGCC; older notation c.1085_1092dupGAAACGCC).
Protein change: p.Asn365fs; shifts the reading frame from asparagine 365.
Molecular consequence: frameshift variant.
Genome position (GRCh38, 1-based): chr3:128,481,870-128,481,877, GGCGTTTC duplicated on the plus strand (GAAACGCC on the coding strand, the reverse complement: GATA2 is on the minus strand); duplicating any 8 consecutive bases within chr3:128,481,870-128,481,881 gives the same sequence; the c. name uses the placement nearest the transcript's 3' end. VCF-style (leftmost placement, unchanged base first): chr3-128481869-T-TGGCGTTTC. GRCh37 (hg19) VCF-style: chr3-128200712-T-TGGCGTTTC.
Other names: c.1085_1092dup, p.Asn365fs (NM_001145661.2); c.1043_1050dup, p.Asn351fs (NM_001145662.1); short protein forms N351fs, N365fs.
Identifiers: ClinVar variation 4784165 (VCV004784165.1).

ClinVar aggregate classification (germline): Pathogenic (1 of 4 stars; one submission).

Conditions:
Monocytopenia with susceptibility to infections. Also called: MONOCYTOPENIA AND MYCOBACTERIAL INFECTION SYNDROME; MONOCYTOPENIA WITH SUSCEPTIBILITY TO MYCOBACTERIAL, FUNGAL, AND PAPILLOMAVIRUS INFECTIONS AND MYELODYSPLASIA; COMBINED IMMUNODEFICIENCY WITH SUSCEPTIBILITY TO MYCOBACTERIAL, VIRAL, AND FUNGAL INFECTIONS; Dendritic cell, monocyte, B lymphocyte, and natural killer lymphocyte deficiency; IMMUNODEFICIENCY 21; GATA2 DEFICIENCY. Identifiers: Orphanet 228423, MedGen C3280030, MONDO:0013607, OMIM 614172.
Deafness-lymphedema-leukemia syndrome. Also called: Emberger syndrome; Lymphedema, primary, with myelodysplasia. Identifiers: Orphanet 3226, MedGen C3279664, MONDO:0013540, OMIM 614038.

Submission:

Labcorp Genetics (formerly Invitae), Labcorp
Classification: Pathogenic for Monocytopenia with susceptibility to infections; Deafness-lymphedema-leukemia syndrome. Last evaluated: 2025-02-13. Review status: criteria provided, single submitter. Criteria: Invitae Variant Classification Sherloc (09022015). Collection method: clinical testing. Allele origin: germline.
Comment: This sequence change creates a premature translational stop signal (p.Asn365Glufs*25) in the GATA2 gene. While this is not anticipated to result in nonsense mediated decay, it is expected to disrupt the last 116 amino acid(s) of the GATA2 protein. This variant is not present in population databases (gnomAD no frequency). This variant has not been reported in the literature in individuals affected with GATA2-related conditions. This variant disrupts a region of the GATA2 protein in which other variant(s) (p.Asn371Lys) have been determined to be pathogenic (PMID: 21670465, 24077845, 26702063). This suggests that this is a clinically significant region of the protein, and that variants that disrupt it are likely to be disease-causing. For these reasons, this variant has been classified as Pathogenic.

Literature cited by the submitters: PubMed 21670465; PubMed 24077845; PubMed 26702063.